The following is an entry in ClinVar:

ClinVar aggregate classification (germline): Likely benign (1 of 4 stars; one submission).

Allele frequency attached by ClinVar (database versions not stated): ExAC 0.00023; gnomAD 0.00066; TOPMed 0.00080; ESP Exome Variant Server 0.00092; 1000 Genomes Project 30x 0.00094; 1000 Genomes Project 0.00100.
gnomAD v4.1: 194 of 1,614,016 alleles (0.012%); highest among the groups gnomAD compares: African/African-American, 0.23%; no homozygotes.

Submission:

CeGaT Center for Human Genetics Tuebingen
Classification: Likely benign. Last evaluated: 2024-06-01. Review status: criteria provided, single submitter. Criteria: CeGaT Center For Human Genetics Tuebingen Variant Classification Criteria Version 2. Collection method: clinical testing. Allele origin: germline. Affected: yes. Observed: 1 variant allele.
Comment: TOGARAM1: BP4, BP7

NM_001308120.2(TOGARAM1):c.3777G>A (p.Leu1259=)

Gene: TOGARAM1 (TOG array regulator of axonemal microtubules 1; plus strand). Cytogenetic location: 14q21.2.
Variant type: single nucleotide variant.
Coding change: c.3777G>A on transcript NM_001308120.2 (MANE Select); coding-DNA position 3777, G replaced by A.
Protein change: p.Leu1259=; no amino-acid change (leucine 1259 retained).
Molecular consequence: synonymous variant. On other transcripts: non-coding transcript variant (1).
Genome position (GRCh38, 1-based): chr14:45,032,341, G>A. VCF-style: chr14-45032341-G-A. GRCh37 (hg19) VCF-style: chr14-45501544-G-A.
Other names: c.3777G>A, p.Leu1259= (NM_015091.4).
Identifiers: ClinVar variation 3250769 (VCV003250769.18), dbSNP rs149364303.